The following is an entry in ClinVar:

ClinVar aggregate classification (germline): Likely benign (0 of 4 stars; one submission).

Conditions:
LIMK1-related disorder. Also called: LIMK1-related condition.

Allele frequency attached by ClinVar (database versions not stated): 1000 Genomes Project 30x 0.00094; 1000 Genomes Project 0.00100; TOPMed 0.00149; gnomAD 0.00190; ESP Exome Variant Server 0.00209.
gnomAD v4.1: 4,437 of 1,588,190 alleles (0.28%); highest among the groups gnomAD compares: Non-Finnish European, 0.32%; 6 homozygotes.

Submission:

PreventionGenetics, part of Exact Sciences
Classification: Likely benign for LIMK1-related condition. Last evaluated: 2020-09-01. Review status: no assertion criteria provided. Collection method: clinical testing. Allele origin: germline.
Comment: This variant is classified as likely benign based on ACMG/AMP sequence variant interpretation guidelines (Richards et al. 2015 PMID: 25741868, with internal and published modifications).

NM_002314.4(LIMK1):c.*1G>A

Gene: LIMK1 (LIM domain kinase 1; plus strand). Cytogenetic location: 7q11.23.
Variant type: single nucleotide variant.
Coding change: c.*1G>A on transcript NM_002314.4 (MANE Select); 1 bases downstream of the stop codon, G replaced by A.
Molecular consequence: 3 prime UTR variant.
Genome position (GRCh38, 1-based): chr7:74,121,302, G>A. VCF-style: chr7-74121302-G-A. GRCh37 (hg19) VCF-style: chr7-73535632-G-A.
Other names: c.*1G>A (NM_001204426.2).
Identifiers: ClinVar variation 3044233 (VCV003044233.2), dbSNP rs144018159, ClinGen allele CA4294148.